The following is an entry in ClinVar:

NM_007327.4(GRIN1):c.1643G>A (p.Arg548Gln)

Gene: GRIN1 (glutamate ionotropic receptor NMDA type subunit 1; plus strand). Cytogenetic location: 9q34.3.
Variant type: single nucleotide variant.
Coding change: c.1643G>A on transcript NM_007327.4 (MANE Select); coding-DNA position 1643, G replaced by A.
Protein change: p.Arg548Gln; replaces arginine 548 with glutamine.
Molecular consequence: missense variant.
Genome position (GRCh38, 1-based): chr9:137,162,182, G>A. VCF-style: chr9-137162182-G-A. GRCh37 (hg19) VCF-style: chr9-140056634-G-A.
Other names: c.1643G>A, p.Arg548Gln (NM_000832.7, NM_021569.4); c.1706G>A, p.Arg569Gln (NM_001185090.2, NM_001185091.2); short protein forms R548Q, R569Q.
Identifiers: ClinVar variation 521298 (VCV000521298.16), dbSNP rs1554770044, ClinGen allele CA375717588.

ClinVar aggregate classification (germline): Conflicting classifications of pathogenicity. Review status: criteria provided, conflicting classifications (1 of 4 stars). 6 submissions from 6 submitters: Pathogenic (4); Likely pathogenic (1); Uncertain significance (1). Last evaluated 2022-05-25.

Conditions:
Neurodevelopmental disorder with or without hyperkinetic movements and seizures, autosomal dominant. Also called: Intellectual disability, autosomal dominant 8. Identifiers: MedGen C3280282, MONDO:0013655, OMIM 614254.
Inborn genetic diseases. Identifiers: MedGen C0950123, MeSH D030342.

Submissions (6):

GeneDx
Classification: Pathogenic. Last evaluated: 2022-05-25. Review status: criteria provided, single submitter. Criteria: GeneDx Variant Classification Process June 2021. Collection method: clinical testing. Allele origin: germline. Affected: yes.
Comment: Not observed in large population cohorts (gnomAD); In silico analysis, which includes protein predictors and evolutionary conservation, supports that this variant does not alter protein structure/function; This variant is associated with the following publications: (PMID: 29720203)

Labcorp Genetics (formerly Invitae), Labcorp
Classification: Uncertain significance for Neurodevelopmental disorder with or without hyperkinetic movements and seizures, autosomal dominant. Last evaluated: 2022-05-16. Review status: criteria provided, single submitter. Criteria: Invitae Variant Classification Sherloc (09022015). Collection method: clinical testing. Allele origin: germline.
Comment: This sequence change replaces arginine, which is basic and polar, with glutamine, which is neutral and polar, at codon 548 of the GRIN1 protein (p.Arg548Gln). This variant is not present in population databases (gnomAD no frequency). This missense change has been observed in individual(s) with clinical features of GRIN1-related conditions (PMID: 29720203). ClinVar contains an entry for this variant (Variation ID: 521298). In summary, the available evidence is currently insufficient to determine the role of this variant in disease. Therefore, it has been classified as a Variant of Uncertain Significance. Advanced modeling of protein sequence and biophysical properties (such as structural, functional, and spatial information, amino acid conservation, physicochemical variation, residue mobility, and thermodynamic stability) performed at Invitae indicates that this missense variant is expected to disrupt GRIN1 protein function.

3billion
Classification: Pathogenic for Neurodevelopmental disorder with or without hyperkinetic movements and seizures, autosomal dominant. Last evaluated: 2022-03-22. Review status: criteria provided, single submitter. Criteria: ACMG Guidelines, 2015. Collection method: clinical testing. Allele origin: germline. Affected: yes. Observed: 1 heterozygote.
Comment: Same or different nucleotide change resulting in same amino acid change has been previously reported as pathogenic/likely pathogenic with strong evidence (ClinVar ID: VCV000521298, PMID:29720203). The variant has been previously reported as de novo in a similarly affected individual (PMID: 29720203). It is located in a mutational hot spot and/or well-established functional domain in which established pathogenic variants have been reported. It is not observed in the gnomAD v2.1.1 dataset. Therefore, this variant is classified as pathogenic according to the recommendation of ACMG/AMP guideline.

Illumina Laboratory Services, Illumina
Classification: Likely pathogenic for Neurodevelopmental disorder with or without hyperkinetic movements and seizures, autosomal dominant. Last evaluated: 2019-01-15. Review status: criteria provided, single submitter. Criteria: ICSLVariantClassificationCriteria RUGD 01 April 2020. Collection method: clinical testing. Allele origin: unknown.
Comment: The GRIN1 c.1706G>A p.(Arg569Gln) missense variant, to our knowledge, has not been reported in the peer-reviewed literature. This variant is not observed in version 2.1.1 or version 4.0.0 of the Genome Aggregation Database. Based on the available evidence, the c.1706G>A p.(Arg569Gln) variant is classified as likely pathogenic for autosomal dominant intellectual disability.

Ambry Genetics
Classification: Pathogenic for Inborn genetic diseases. Last evaluated: 2016-09-26. Review status: criteria provided, single submitter. Criteria: Ambry exome assertion method (8-5-2015). Collection method: clinical testing. Allele origin: germline. Affected: yes. Observed: 1 variant allele.

Neuberg Centre For Genomic Medicine, NCGM
Classification: Pathogenic for Neurodevelopmental disorder with or without hyperkinetic movements and seizures, autosomal dominant. Review status: criteria provided, single submitter. Criteria: ACMG Guidelines, 2015. Collection method: clinical testing. Allele origin: germline. Inheritance: Autosomal dominant inheritance. Affected: yes.
Comment: The missense variant c.1643G>A (p.Arg548Gln) in GRIN1 gene has been reported in a de novo heterozygous state in individuals affected with severe childhood epilepsy (Staněk D. et al., 2018). This variant is novel (not in any individuals) in gnomAD Exomes and 1000 Genomes. It has been submitted to ClinVar as Pathogenic. The amino acid Arginine at position 548 is changed to a Glutamine changing protein sequence and it might alter its composition and physico-chemical properties. The variant is predicted as conserved by GERP++ and PhyloP across 100 vertebrates. For these reasons, this variant has been classified as Pathogenic.

Literature cited by the submitters: PubMed 29720203 (cited by Labcorp Genetics (formerly Invitae), Labcorp and 3billion).